The following is an entry in ClinVar:

NM_001287.6(CLCN7):c.1156G>A (p.Gly386Ser)

Gene: CLCN7 (chloride voltage-gated channel 7; minus strand). Cytogenetic location: 16p13.3.
Variant type: single nucleotide variant.
Coding change: c.1156G>A on transcript NM_001287.6 (MANE Select); coding-DNA position 1156, G replaced by A.
Protein change: p.Gly386Ser; replaces glycine 386 with serine.
Molecular consequence: missense variant.
Genome position (GRCh38, 1-based): chr16:1,453,892, C>T on the plus strand (G>A on the coding strand, the complement: CLCN7 is on the minus strand). VCF-style: chr16-1453892-C-T. GRCh37 (hg19) VCF-style: chr16-1503893-C-T.
Other names: c.1084G>A, p.Gly362Ser (NM_001114331.3); short protein forms G362S, G386S.
Identifiers: ClinVar variation 1715698 (VCV001715698.5), dbSNP rs541028244, ClinGen allele CA7810387.

ClinVar aggregate classification (germline): Uncertain significance (1 of 4 stars; one submission).

Allele frequency attached by ClinVar (database versions not stated): TOPMed below 0.00001; gnomAD exomes 0.00001; ExAC 0.00003; 1000 Genomes Project 0.00020; 1000 Genomes Project 30x 0.00031.
gnomAD v4.1: 15 of 1,613,176 alleles (0.00093%); highest among the groups gnomAD compares: African/African-American, 0.0027%; no homozygotes.

Submission:

Labcorp Genetics (formerly Invitae), Labcorp
Classification: Uncertain significance. Last evaluated: 2022-08-08. Review status: criteria provided, single submitter. Criteria: Invitae Variant Classification Sherloc (09022015). Collection method: clinical testing. Allele origin: germline.
Comment: In summary, the available evidence is currently insufficient to determine the role of this variant in disease. Therefore, it has been classified as a Variant of Uncertain Significance. Algorithms developed to predict the effect of sequence changes on RNA splicing suggest that this variant may create or strengthen a splice site. Algorithms developed to predict the effect of missense changes on protein structure and function (SIFT, PolyPhen-2, Align-GVGD) all suggest that this variant is likely to be disruptive. This variant has not been reported in the literature in individuals affected with CLCN7-related conditions. This variant is present in population databases (rs541028244, gnomAD 0.009%). This sequence change replaces glycine, which is neutral and non-polar, with serine, which is neutral and polar, at codon 386 of the CLCN7 protein (p.Gly386Ser).